The following is an entry in ClinVar:

ClinVar aggregate classification (germline): Pathogenic (1 of 4 stars; one submission).

Submission:

Quest Diagnostics Nichols Institute San Juan Capistrano
Classification: Pathogenic. Last evaluated: 2025-05-09. Review status: criteria provided, single submitter. Criteria: ACMG/ClinGen CNV Guidelines, 2019. Collection method: clinical testing. Allele origin: unknown.
Comment: This deletion is associated with the recurrent proximal (BP4-BP5) 16p11.2 microdeletion syndrome (OMIM 611913; ISCA-37400) (Taylor 2021). Inheritance from an unaffected or mildly affected parent has been reported, suggesting incomplete penetrance and variable expressivity (Taylor 2021). This copy number variant is classified as pathogenic with variable phenotypic expressivity and reduced penetrance. References: Taylor et al. GeneReviews [Oct 28 2021]. PMID: 20301775

GRCh37/hg19 16p11.2(chr16:29432212-30191848)x1

Genes: ALDOA (aldolase, fructose-bisphosphate A; plus strand), ASPHD1 (aspartate beta-hydroxylase domain containing 1; plus strand), BOLA2 (bolA family member 2; minus strand), C16orf54 (chromosome 16 open reading frame 54; minus strand), C16orf92 (chromosome 16 open reading frame 92; plus strand) and 24 more. Cytogenetic location: 16p11.2.
Variant type: copy number loss.
Change: copy number 1 (one copy instead of two) of chr16:29,432,212-30,191,848 (759.6 kb, GRCh37 coordinates, 1-based), cytogenetic band 16p11.2.
Identifiers: ClinVar variation 564319 (VCV000564319.4).